The following is an entry in ClinVar:

ClinVar aggregate classification (germline): Likely pathogenic (1 of 4 stars; one submission).

Conditions:
Brittle cornea syndrome 2 (BCS2). Identifiers: Orphanet 90354, MedGen C3280011, MONDO:0013605, OMIM 614170.

Submission:

Juno Genomics, Hangzhou Juno Genomics, Inc
Classification: Likely pathogenic for Brittle cornea syndrome 2. Review status: criteria provided, single submitter. Criteria: ACMG Guidelines, 2015. Collection method: clinical testing. Allele origin: germline.
Comment: Null variant in a gene where loss of function (LOF) is a known mechanism of disease.;Absent from controls (or at extremely low frequency if recessive) in Genome Aggregation Database.

NM_018699.4(PRDM5):c.1213C>T (p.Gln405Ter)

Gene: PRDM5 (PR/SET domain 5; minus strand). Cytogenetic location: 4q27.
Variant type: single nucleotide variant.
Coding change: c.1213C>T on transcript NM_018699.4 (MANE Select); coding-DNA position 1213, C replaced by T.
Protein change: p.Gln405Ter; replaces glutamine 405 with a stop codon.
Molecular consequence: nonsense.
Genome position (GRCh38, 1-based): chr4:120,785,067, G>A on the plus strand (C>T on the coding strand, the complement: PRDM5 is on the minus strand). VCF-style: chr4-120785067-G-A. GRCh37 (hg19) VCF-style: chr4-121706222-G-A.
Other names: c.1120C>T, p.Gln374Ter (NM_001300823.2, NM_001300824.2, NM_001379106.1); c.1246C>T, p.Gln416Ter (NM_001379104.1); short protein forms Q374*, Q416*, Q405*.
Identifiers: ClinVar variation 5006719 (VCV005006719.2).